The following is an entry in ClinVar:

NM_002458.3(MUC5B):c.13389C>T (p.Thr4463=)

Gene: MUC5B (mucin 5B, oligomeric mucus/gel-forming; plus strand). Cytogenetic location: 11p15.5.
Variant type: single nucleotide variant.
Coding change: c.13389C>T on transcript NM_002458.3 (MANE Select); coding-DNA position 13389, C replaced by T.
Protein change: p.Thr4463=; no amino-acid change (threonine 4463 retained).
Molecular consequence: synonymous variant.
Genome position (GRCh38, 1-based): chr11:1,250,269, C>T. VCF-style: chr11-1250269-C-T. GRCh37 (hg19) VCF-style: chr11-1271499-C-T.
Identifiers: ClinVar variation 2641297 (VCV002641297.24), dbSNP rs199975524, ClinGen allele CA5808310.

ClinVar aggregate classification (germline): Benign (1 of 4 stars; one submission).

Allele frequency attached by ClinVar (database versions not stated): gnomAD 0.00601; ExAC 0.00917; 1000 Genomes Project 0.01078.
gnomAD v4.1: 34,633 of 1,595,190 alleles (2.2%); highest among the groups gnomAD compares: Non-Finnish European, 2.5%; 80 homozygotes.

Submission:

CeGaT Center for Human Genetics Tuebingen
Classification: Benign. Last evaluated: 2024-04-01. Review status: criteria provided, single submitter. Criteria: CeGaT Center For Human Genetics Tuebingen Variant Classification Criteria Version 2. Collection method: clinical testing. Allele origin: germline. Affected: yes. Observed: 3 variant alleles.
Comment: MUC5B: BP4, BP7, BS1, BS2